The following is an entry in ClinVar:

NM_000117.3(EMD):c.411C>G (p.Asp137Glu)

Gene: EMD (emerin; plus strand). Cytogenetic location: Xq28.
Variant type: single nucleotide variant.
Coding change: c.411C>G on transcript NM_000117.3 (MANE Select); coding-DNA position 411, C replaced by G.
Protein change: p.Asp137Glu; replaces aspartic acid 137 with glutamic acid.
Molecular consequence: missense variant.
Genome position (GRCh38, 1-based): chrX:154,380,764, C>G. VCF-style: chrX-154380764-C-G. GRCh37 (hg19) VCF-style: chrX-153609124-C-G.
Other names: short protein forms D137E.
Identifiers: ClinVar variation 1470909 (VCV001470909.6), dbSNP rs2148128718, ClinGen allele CA415258188.
Genomic context (GRCh38, chrX:154,380,764, plus strand): 5'-CCATGGTGGCCCTGCCAGCCAGTCCCCTCGCCCTGACTCTCTTCTGCAGGTGCATGATGA[C>G]GATCTTTTGTCTTCTTCTGAAGAGGAGTGCAAGGATAGGTGCGTAGTGGGGGAGCCCAGG-3'
Protein context (NP_000108.1, residues 127-147): ADAFHHQVHD[Asp137Glu]DLLSSSEEEC

ClinVar aggregate classification (germline): Uncertain significance (1 of 4 stars; one submission).

Conditions:
X-linked Emery-Dreifuss muscular dystrophy. Also called: Muscular dystrophy, tardive Emery-Dreifuss type, with contractures. Identifiers: Orphanet 261, Orphanet 98863, MedGen C0751337, MONDO:0010680.

Submission:

Labcorp Genetics (formerly Invitae), Labcorp
Classification: Uncertain significance for X-linked Emery-Dreifuss muscular dystrophy. Last evaluated: 2023-06-04. Review status: criteria provided, single submitter. Criteria: Invitae Variant Classification Sherloc (09022015). Collection method: clinical testing. Allele origin: germline.
Comment: In summary, the available evidence is currently insufficient to determine the role of this variant in disease. Therefore, it has been classified as a Variant of Uncertain Significance. Advanced modeling of protein sequence and biophysical properties (such as structural, functional, and spatial information, amino acid conservation, physicochemical variation, residue mobility, and thermodynamic stability) performed at Invitae indicates that this missense variant is not expected to disrupt EMD protein function. ClinVar contains an entry for this variant (Variation ID: 1470909). This variant has not been reported in the literature in individuals affected with EMD-related conditions. This variant is not present in population databases (gnomAD no frequency). This sequence change replaces aspartic acid, which is acidic and polar, with glutamic acid, which is acidic and polar, at codon 137 of the EMD protein (p.Asp137Glu).